The following is an entry in ClinVar:

ClinVar aggregate classification (germline): Uncertain significance (1 of 4 stars; one submission).

Allele frequency attached by ClinVar (database versions not stated): ExAC 0.00001; gnomAD 0.00001; TOPMed 0.00001; gnomAD exomes 0.00002.
gnomAD v4.1: 24 of 1,607,880 alleles (0.0015%); highest among the groups gnomAD compares: Non-Finnish European, 0.002%; no homozygotes.

Submission:

Labcorp Genetics (formerly Invitae), Labcorp
Classification: Uncertain significance. Last evaluated: 2024-10-23. Review status: criteria provided, single submitter. Criteria: Invitae Variant Classification Sherloc (09022015). Collection method: clinical testing. Allele origin: germline.
Comment: This sequence change replaces glycine, which is neutral and non-polar, with glutamic acid, which is acidic and polar, at codon 86 of the PLOD2 protein (p.Gly86Glu). This variant is present in population databases (rs777324125, gnomAD 0.003%). This variant has not been reported in the literature in individuals affected with PLOD2-related conditions. ClinVar contains an entry for this variant (Variation ID: 2172283). An algorithm developed to predict the effect of missense changes on protein structure and function (PolyPhen-2) suggests that this variant is likely to be disruptive. In summary, the available evidence is currently insufficient to determine the role of this variant in disease. Therefore, it has been classified as a Variant of Uncertain Significance.

NM_182943.3(PLOD2):c.257G>A (p.Gly86Glu)

Gene: PLOD2 (procollagen-lysine,2-oxoglutarate 5-dioxygenase 2; minus strand). Cytogenetic location: 3q24.
Variant type: single nucleotide variant.
Coding change: c.257G>A on transcript NM_182943.3 (MANE Select); coding-DNA position 257, G replaced by A.
Protein change: p.Gly86Glu; replaces glycine 86 with glutamic acid.
Molecular consequence: missense variant.
Genome position (GRCh38, 1-based): chr3:146,121,193, C>T on the plus strand (G>A on the coding strand, the complement: PLOD2 is on the minus strand). VCF-style: chr3-146121193-C-T. GRCh37 (hg19) VCF-style: chr3-145838980-C-T.
Other names: c.257G>A, p.Gly86Glu (NM_000935.3); short protein forms G86E.
Identifiers: ClinVar variation 2172283 (VCV002172283.3), dbSNP rs777324125, ClinGen allele CA2655301.
Genomic context (GRCh38, chr3:146,121,193, plus strand): 5'-AGATCATCTTGATCAGCATAGTGTTCCATGACTTCTTTCATTAATCTCACTTTCTGGCCC[C>T]CTCCAATACTATTAATTCCATCACCACCTCTCCATTCTTCTCCTTGACCAAGGACCTATA-3'
Protein context (NP_891988.1, residues 76-96): RGGDGINSIG[Gly86Glu]GQKVRLMKEV